The following is an entry in ClinVar:

NM_033026.6(PCLO):c.802G>C (p.Asp268His)

Gene: PCLO (piccolo presynaptic cytomatrix protein; minus strand). Cytogenetic location: 7q21.11.
Variant type: single nucleotide variant.
Coding change: c.802G>C on transcript NM_033026.6 (MANE Select); coding-DNA position 802, G replaced by C.
Protein change: p.Asp268His; replaces aspartic acid 268 with histidine.
Molecular consequence: missense variant.
Genome position (GRCh38, 1-based): chr7:83,155,839, C>G on the plus strand (G>C on the coding strand, the complement: PCLO is on the minus strand). VCF-style: chr7-83155839-C-G. GRCh37 (hg19) VCF-style: chr7-82785155-C-G.
Other names: c.802G>C (NM_033026.5); c.802G>C, p.Asp268His (NM_014510.3); short protein forms D268H.
Identifiers: ClinVar variation 1420186 (VCV001420186.10), dbSNP rs547374744, ClinGen allele CA4321601.

ClinVar aggregate classification (germline): Conflicting classifications of pathogenicity. Review status: criteria provided, conflicting classifications (1 of 4 stars). 3 submissions from 3 submitters: Uncertain significance (2); Likely benign (1). Last evaluated 2026-02-01.

Conditions:
Inborn genetic diseases. Identifiers: MedGen C0950123, MeSH D030342.

Allele frequency attached by ClinVar (database versions not stated): TOPMed below 0.00001; gnomAD 0.00003; gnomAD exomes 0.00008 and 0.00014; 1000 Genomes Project 30x 0.00016; ExAC 0.00017; 1000 Genomes Project 0.00020.

Submissions (3):

CeGaT Center for Human Genetics Tuebingen
Classification: Likely benign. Last evaluated: 2026-02-01. Review status: criteria provided, single submitter. Criteria: CeGaT Center For Human Genetics Tuebingen Variant Classification Criteria Version 2. Collection method: clinical testing. Allele origin: germline. Affected: yes. Observed: 1 variant allele.
Comment: PCLO: BP4

Ambry Genetics
Classification: Uncertain significance for Inborn genetic diseases. Last evaluated: 2025-08-23. Review status: criteria provided, single submitter. Criteria: Ambry Variant Classification Scheme 2023. Collection method: clinical testing. Allele origin: germline.

Labcorp Genetics (formerly Invitae), Labcorp
Classification: Uncertain significance. Last evaluated: 2021-11-14. Review status: criteria provided, single submitter. Criteria: Invitae Variant Classification Sherloc (09022015). Collection method: clinical testing. Allele origin: germline.
Comment: This variant is present in population databases (rs547374744, gnomAD 0.1%). This sequence change replaces aspartic acid, which is acidic and polar, with histidine, which is basic and polar, at codon 268 of the PCLO protein (p.Asp268His). This variant has not been reported in the literature in individuals affected with PCLO-related conditions. Algorithms developed to predict the effect of missense changes on protein structure and function are either unavailable or do not agree on the potential impact of this missense change (SIFT: "Deleterious"; PolyPhen-2: "Not Available"; Align-GVGD: "Class C0"). In summary, the available evidence is currently insufficient to determine the role of this variant in disease. Therefore, it has been classified as a Variant of Uncertain Significance.